The following is an entry in ClinVar:

NM_007294.4(BRCA1):c.442-715AT[4]

Gene: BRCA1 (BRCA1 DNA repair associated; minus strand). Cytogenetic location: 17q21.31.
Variant type: Microsatellite.
Coding change: c.442-715AT[4] on transcript NM_007294.4 (MANE Select); four copies in a row of the 2-base unit AT starting at c.442-715; the reference has five copies in a row; one copy, 2 bases deleted.
Molecular consequence: intron variant.
Genome position (GRCh38, 1-based): chr17:43,100,586-43,100,587, AT deleted on the plus strand (AT on the coding strand, the reverse complement: BRCA1 is on the minus strand); deleting any 2 consecutive bases within chr17:43,100,586-43,100,595 gives the same sequence; the position shown is the placement nearest the transcript's 3' end. VCF-style (leftmost placement, unchanged base first): chr17-43100585-CAT-C. GRCh37 (hg19) VCF-style: chr17-41252602-CAT-C.
Other names: IVS 7-707del2; c.442-707_442-706del (NM_007294.3); c.301-715AT[4] (NM_001408458.1, NM_001407922.1, NM_001408469.1 and 61 more transcripts); c.-218-5735AT[4] (NM_001407967.1, NM_001407966.1); c.61-715AT[4] (NM_001407959.1, NM_001408512.1, NM_001408510.1 and 3 more transcripts); c.301-718AT[4] (NM_001407931.1, NM_001407747.1, NM_001408470.1 and 35 more transcripts); c.61-718AT[4] (NM_001407962.1); c.232-715AT[4] (NM_001407885.1, NM_001407886.1, NM_001407881.1 and 37 more transcripts); and 7 more.
Identifiers: ClinVar variation 209469 (VCV000209469.2), dbSNP rs201678971, ClinGen allele CA276439.

ClinVar aggregate classification (germline): Benign (3 of 4 stars; one submission).

Conditions:
Breast-ovarian cancer, familial, susceptibility to, 1 (BROVCA1). Also called: BRCA1 Hereditary Breast and Ovarian Cancer; OVARIAN CANCER, SUSCEPTIBILITY TO. Identifiers: Orphanet 145, MedGen C2676676, MONDO:0011450, OMIM 604370. Disease mechanism: loss of function.

Submission:

Evidence-based Network for the Interpretation of Germline Mutant Alleles (ENIGMA)
Classification: Benign for Breast-ovarian cancer, familial 1. Last evaluated: 2015-01-12. Review status: reviewed by expert panel. Criteria: ENIGMA BRCA1/2 Classification Criteria (2015). Collection method: curation. Allele origin: germline.
Comment: Class 1 not pathogenic based on frequency >1% in an outbred sampleset. Frequency 0.03 (African), 0.03 (European), derived from 1000 genomes (2012-04-30).